The following is an entry in ClinVar:

ClinVar aggregate classification (germline): Conflicting classifications of pathogenicity. Review status: criteria provided, conflicting classifications (1 of 4 stars). 2 submissions from 2 submitters: Uncertain significance (1); Likely benign (1). Last evaluated 2024-11-15.

Conditions:
Hereditary cancer-predisposing syndrome. Also called: Hereditary neoplastic syndrome; Neoplastic Syndromes, Hereditary; Tumor predisposition; Hereditary Cancer Syndrome. Identifiers: Orphanet 140162, MedGen C0027672, MeSH D009386, MONDO:0015356.
Microcephaly, normal intelligence and immunodeficiency (NBS). Also called: IMMUNODEFICIENCY, MICROCEPHALY, AND CHROMOSOMAL INSTABILITY; SEEMANOVA SYNDROME II; Nijmegen breakage syndrome; Microcephaly with normal intelligence immunodeficiency and lymphoreticular malignancies; Nonsyndromal microcephaly autosomal recessive with normal intelligence; Seemanova syndrome 2. Identifiers: Orphanet 647, MedGen C0398791, MONDO:0009623, OMIM 251260.

Submissions (2):

Ambry Genetics
Classification: Likely benign for Hereditary cancer-predisposing syndrome. Last evaluated: 2024-11-15. Review status: criteria provided, single submitter. Criteria: Ambry Variant Classification Scheme 2023. Collection method: clinical testing. Allele origin: germline.

Labcorp Genetics (formerly Invitae), Labcorp
Classification: Uncertain significance for Microcephaly, normal intelligence and immunodeficiency. Last evaluated: 2023-03-26. Review status: criteria provided, single submitter. Criteria: Invitae Variant Classification Sherloc (09022015). Collection method: clinical testing. Allele origin: germline.
Comment: ClinVar contains an entry for this variant (Variation ID: 461576). An algorithm developed to predict the effect of missense changes on protein structure and function (PolyPhen-2) suggests that this variant is likely to be tolerated. In summary, the available evidence is currently insufficient to determine the role of this variant in disease. Therefore, it has been classified as a Variant of Uncertain Significance. This variant has not been reported in the literature in individuals affected with NBN-related conditions. This sequence change replaces valine, which is neutral and non-polar, with phenylalanine, which is neutral and non-polar, at codon 22 of the NBN protein (p.Val22Phe). This variant is not present in population databases (gnomAD no frequency).

NM_002485.5(NBN):c.64G>T (p.Val22Phe)

Gene: NBN (nibrin; minus strand). Cytogenetic location: 8q21.3.
Variant type: single nucleotide variant.
Coding change: c.64G>T on transcript NM_002485.5 (MANE Select); coding-DNA position 64, G replaced by T.
Protein change: p.Val22Phe; replaces valine 22 with phenylalanine.
Molecular consequence: missense variant. On other transcripts: 5 prime UTR variant (1).
Genome position (GRCh38, 1-based): chr8:89,982,829, C>A on the plus strand (G>T on the coding strand, the complement: NBN is on the minus strand). VCF-style: chr8-89982829-C-A. GRCh37 (hg19) VCF-style: chr8-90995057-C-A.
Other names: c.-233G>T (NM_001024688.3); short protein forms V22F.
Identifiers: ClinVar variation 461576 (VCV000461576.9), dbSNP rs369910645, ClinGen allele CA371663582.